The following is an entry in ClinVar:

ClinVar aggregate classification (germline): Pathogenic/Likely pathogenic. Review status: criteria provided, multiple submitters, no conflicts (2 of 4 stars). 2 submissions from 2 submitters: Pathogenic (1); Likely pathogenic (1). Last evaluated 2025-09-17.

Conditions:
Alport syndrome. Also called: Hemorrhagic familial nephritis; Hemorrhagic hereditary nephritis; Congenital hereditary hematuria. Identifiers: Orphanet 63, MedGen C1567741, MONDO:0018965.

Allele frequency attached by ClinVar (database versions not stated): gnomAD exomes below 0.00001; TOPMed below 0.00001; ExAC 0.00001; gnomAD 0.00001; 1000 Genomes Project 30x 0.00016; 1000 Genomes Project 0.00020.

Submissions (2):

Natera, Inc.
Classification: Likely pathogenic for Alport syndrome. Last evaluated: 2025-09-17. Review status: criteria provided, single submitter. Criteria: Natera Variant Classification Schema (03/2026). Collection method: clinical testing. Allele origin: germline.
Comment: The c.2800G>A variant in COL4A3 is a missense variant predicted to cause substitution of glycine to arginine at amino acid 934. This variant is rare in the general population with a frequency below the threshold expected for the associated phenotype(s). This variant is located in a functionally critical region of the protein. Computational prediction algorithms indicate this variant is likely to affect gene or protein function. Given the available evidence, this variant is classified as Likely Pathogenic.

Labcorp Genetics (formerly Invitae), Labcorp
Classification: Pathogenic. Last evaluated: 2021-11-07. Review status: criteria provided, single submitter. Criteria: Invitae Variant Classification Sherloc (09022015). Collection method: clinical testing. Allele origin: germline.
Comment: For these reasons, this variant has been classified as Pathogenic. This sequence change replaces glycine, which is neutral and non-polar, with arginine, which is basic and polar, at codon 934 of the COL4A3 protein (p.Gly934Arg). This variant is present in population databases (rs199956740, gnomAD 0.0009%). This missense change has been observed in individuals with clinical features of autosomal dominant Alport syndrome (PMID: 32203225; Invitae). It has also been observed to segregate with disease in related individuals. Advanced modeling of protein sequence and biophysical properties (such as structural, functional, and spatial information, amino acid conservation, physicochemical variation, residue mobility, and thermodynamic stability) performed at Invitae indicates that this missense variant is expected to disrupt COL4A3 protein function.

Literature cited by the submitters: PubMed 32203225 (cited by Labcorp Genetics (formerly Invitae), Labcorp).

NM_000091.5(COL4A3):c.2800G>A (p.Gly934Arg)

Genes: MFF-DT (MFF divergent transcript; minus strand), COL4A3 (collagen type IV alpha 3 chain; plus strand). Cytogenetic location: 2q36.3.
Variant type: single nucleotide variant.
Coding change: c.2800G>A on transcript NM_000091.5 (MANE Select); coding-DNA position 2800, G replaced by A.
Protein change: p.Gly934Arg; replaces glycine 934 with arginine.
Molecular consequence: missense variant.
Genome position (GRCh38, 1-based): chr2:227,284,264, G>A. VCF-style: chr2-227284264-G-A. GRCh37 (hg19) VCF-style: chr2-228148980-G-A.
Other names: c.2800G>A (NM_000091.4); short protein forms G934R.
Identifiers: ClinVar variation 1424095 (VCV001424095.7), dbSNP rs199956740, ClinGen allele CA2147030.